The following is an entry in ClinVar:

NM_001009944.3(PKD1):c.16C>T (p.Pro6Ser)

Gene: PKD1 (polycystin 1, transient receptor potential channel interacting; minus strand). Cytogenetic location: 16p13.3.
Variant type: single nucleotide variant.
Coding change: c.16C>T on transcript NM_001009944.3 (MANE Select); coding-DNA position 16, C replaced by T.
Protein change: p.Pro6Ser; replaces proline 6 with serine.
Molecular consequence: missense variant.
Genome position (GRCh38, 1-based): chr16:2,135,674, G>A on the plus strand (C>T on the coding strand, the complement: PKD1 is on the minus strand). VCF-style: chr16-2135674-G-A. GRCh37 (hg19) VCF-style: chr16-2185675-G-A.
Other names: c.16C>T (NM_000296.3); c.16C>T, p.Pro6Ser (NM_000296.4); short protein forms P6S.
Identifiers: ClinVar variation 1312334 (VCV001312334.8), dbSNP rs1320256969, ClinGen allele CA394283264.
Genomic context (GRCh38, chr16:2,135,674, plus strand): 5'-GGCCCCCCGCCAGCGCCCCGAGCCACAGGCCCAGGCCCAGGGCCAGCGCCAGGCGGGCGG[G>A]CGCGGCGGGCGGCATCGTTAGGGCAGCGCGCGCATGGCCCCGCCGTCCCCAGGCCCGCCC-3'
Protein context (NP_001009944.3, residues 1-16): MPPAA[Pro6Ser]ARLALALGLG

ClinVar aggregate classification (germline): Uncertain significance. Review status: criteria provided, multiple submitters, no conflicts (2 of 4 stars). 4 submissions from 4 submitters: Uncertain significance (4). Last evaluated 2026-09-15.

Conditions:
PKD1-related disorder. Also called: PKD1-related condition.
Inborn genetic diseases. Identifiers: MedGen C0950123, MeSH D030342.
Polycystic kidney disease, adult type (PKD1). Also called: POLYCYSTIC KIDNEY DISEASE, ADULT, TYPE I; Polycystic Kidney Disease 1, Autosomal Dominant; Polycystic kidney disease 1; Polycystic kidney disease 1, severe; Polycystic Kidney, Autosomal Dominant; POLYCYSTIC KIDNEY DISEASE 1 WITH OR WITHOUT POLYCYSTIC LIVER DISEASE. Identifiers: MedGen C3149841, MONDO:0008263, OMIM 173900.

Allele frequency attached by ClinVar (database versions not stated): gnomAD 0.00003; TOPMed 0.00005.
gnomAD v4.1: 4 of 762,212 alleles (0.00052%); highest among the groups gnomAD compares: Admixed American, 0.026%; no homozygotes.

Submissions (4):

PreventionGenetics, part of Exact Sciences
Classification: Uncertain significance for PKD1-related condition. Last evaluated: 2026-09-15. Review status: criteria provided, single submitter. Criteria: ACMG Guidelines, 2015. Collection method: clinical testing. Allele origin: germline.
Comment: The PKD1 c.16C>T variant is predicted to result in the amino acid substitution p.Pro6Ser. To our knowledge, this variant has not been reported in the literature or in a large population database (gnomAD), indicating this variant is rare. At this time, the clinical significance of this variant is uncertain due to the absence of conclusive functional and genetic evidence.

GeneDx
Classification: Uncertain significance. Last evaluated: 2023-03-08. Review status: criteria provided, single submitter. Criteria: GeneDx Variant Classification Process June 2021. Collection method: clinical testing. Allele origin: germline. Affected: yes.
Comment: Not observed at significant frequency in large population cohorts (gnomAD); In silico analysis supports that this missense variant does not alter protein structure/function; Has not been previously published as pathogenic or benign to our knowledge

Fulgent Genetics
Classification: Uncertain significance for Polycystic kidney disease, adult type. Last evaluated: 2022-03-29. Review status: criteria provided, single submitter. Criteria: ACMG Guidelines, 2015. Collection method: clinical testing. Allele origin: unknown.

Ambry Genetics
Classification: Uncertain significance for Inborn genetic diseases. Last evaluated: 2021-11-09. Review status: criteria provided, single submitter. Criteria: Ambry Variant Classification Scheme 2023. Collection method: clinical testing. Allele origin: germline.